The following is an entry in ClinVar:

NM_001035.3(RYR2):c.9454C>T (p.Arg3152Cys)

Gene: RYR2 (ryanodine receptor 2; plus strand). Cytogenetic location: 1q43.
Variant type: single nucleotide variant.
Coding change: c.9454C>T on transcript NM_001035.3 (MANE Select); coding-DNA position 9454, C replaced by T.
Protein change: p.Arg3152Cys; replaces arginine 3152 with cysteine.
Molecular consequence: missense variant.
Genome position (GRCh38, 1-based): chr1:237,705,217, C>T. VCF-style: chr1-237705217-C-T. GRCh37 (hg19) VCF-style: chr1-237868517-C-T.
Other names: short protein forms R3152C.
Identifiers: ClinVar variation 836013 (VCV000836013.18), dbSNP rs181105904, ClinGen allele CA39790029.

ClinVar aggregate classification (germline): Uncertain significance. Review status: criteria provided, multiple submitters, no conflicts (2 of 4 stars). 4 submissions from 4 submitters: Uncertain significance (4). Last evaluated 2025-11-25.

Conditions:
Cardiovascular phenotype. Identifiers: MedGen CN230736.
Catecholaminergic polymorphic ventricular tachycardia (CVPT). Also called: Catecholamine-induced polymorphic ventricular tachycardia. Identifiers: Orphanet 3286, MedGen C5574922, MONDO:0017990.
Catecholaminergic polymorphic ventricular tachycardia 1. Also called: VENTRICULAR TACHYCARDIA, CATECHOLAMINERGIC POLYMORPHIC, 1, WITH OR WITHOUT ATRIAL DYSFUNCTION AND/OR DILATED CARDIOMYOPATHY; RYR2-Related Catecholaminergic Polymorphic Ventricular Tachycardia; VENTRICULAR TACHYCARDIA, STRESS-INDUCED POLYMORPHIC 1. Identifiers: Orphanet 3286, MedGen C1631597, MONDO:0011484, OMIM 604772.
Cardiomyopathy (CMYO). Also called: Cardiomyopathies. Identifiers: Orphanet 167848, MedGen C0878544, MONDO:0004994, HP:0001638. Inheritance: Various modes of inheritance.

Allele frequency attached by ClinVar (database versions not stated): gnomAD 0.00001 and 0.00002; TOPMed 0.00001; gnomAD exomes 0.00002 and 0.00004; 1000 Genomes Project 30x 0.00016; 1000 Genomes Project 0.00020.
gnomAD v4.1: 66 of 1,607,032 alleles (0.0041%); highest among the groups gnomAD compares: Middle Eastern, 0.017%; no homozygotes.

Submissions (4):

Labcorp Genetics (formerly Invitae), Labcorp
Classification: Uncertain significance for Catecholaminergic polymorphic ventricular tachycardia 1. Last evaluated: 2025-11-25. Review status: criteria provided, single submitter. Criteria: Invitae Variant Classification Sherloc (09022015). Collection method: clinical testing. Allele origin: germline.
Comment: This sequence change replaces arginine, which is basic and polar, with cysteine, which is neutral and slightly polar, at codon 3152 of the RYR2 protein (p.Arg3152Cys). This variant is present in population databases (rs181105904, gnomAD 0.007%). This variant has not been reported in the literature in individuals affected with RYR2-related conditions. ClinVar contains an entry for this variant (Variation ID: 836013). Invitae Evidence Modeling of protein sequence and biophysical properties (such as structural, functional, and spatial information, amino acid conservation, physicochemical variation, residue mobility, and thermodynamic stability) has been performed for this missense variant. However, the output from this modeling did not meet the statistical confidence thresholds required to predict the impact of this variant on RYR2 protein function. In summary, the available evidence is currently insufficient to determine the role of this variant in disease. Therefore, it has been classified as a Variant of Uncertain Significance.

Color Diagnostics, LLC DBA Color Health
Classification: Uncertain significance for Cardiomyopathy. Last evaluated: 2025-07-14. Review status: criteria provided, single submitter. Criteria: ACMG Guidelines, 2015. Collection method: clinical testing. Allele origin: germline.
Comment: This missense variant replaces arginine with cysteine at codon 3152 of the RYR2 protein. Computational prediction is inconclusive regarding the impact of this variant on protein structure and function. To our knowledge, functional studies have not been reported for this variant. This variant has not been reported in individuals affected with RYR2-related disorders in the literature. This variant has been identified in 5/238954 chromosomes in the general population by the Genome Aggregation Database (gnomAD). The available evidence is insufficient to determine the role of this variant in disease conclusively. Therefore, this variant is classified as a Variant of Uncertain Significance.

Ambry Genetics
Classification: Uncertain significance for Cardiovascular phenotype. Last evaluated: 2024-05-30. Review status: criteria provided, single submitter. Criteria: Ambry Variant Classification Scheme 2023. Collection method: clinical testing. Allele origin: germline.
Comment: The p.R3152C variant (also known as c.9454C>T), located in coding exon 67 of the RYR2 gene, results from a C to T substitution at nucleotide position 9454. The arginine at codon 3152 is replaced by cysteine, an amino acid with highly dissimilar properties. This amino acid position is highly conserved in available vertebrate species. In addition, this alteration is predicted to be deleterious by in silico analysis. Based on the available evidence, the clinical significance of this variant remains unclear.

All of Us Research Program, National Institutes of Health
Classification: Uncertain significance for Catecholaminergic polymorphic ventricular tachycardia. Last evaluated: 2023-12-01. Review status: criteria provided, single submitter. Criteria: ACMG Guidelines, 2015. Collection method: clinical testing. Allele origin: germline. Inheritance: Autosomal dominant inheritance. Observed: 4 variant alleles, 4 heterozygotes.
Comment: This variant is located in the RYR2 protein. Computational prediction is inconclusive regarding the impact of this variant on protein structure and function (internally defined REVEL score threshold 0.5 < inconclusive < 0.7, PMID: 27666373). To our knowledge, functional studies have not been reported for this variant. This variant has not been reported in individuals affected with cardiovascular disorders in the literature. This variant has been identified in 5/238954 chromosomes in the general population by the Genome Aggregation Database (gnomAD). The available evidence is insufficient to determine the role of this variant in disease conclusively. Therefore, this variant is classified as a Variant of Uncertain Significance.

This study involves interpretation of variants in research participants for the purpose of population health screening. Participant phenotype was not available at the time of variant classification. Additional details can be found in publication PMID: 35346344, PMCID: PMC8962531